The following is an entry in ClinVar:

NM_000465.4(BARD1):c.1027A>G (p.Thr343Ala)

Gene: BARD1 (BRCA1 associated RING domain 1; minus strand). Cytogenetic location: 2q35.
Variant type: single nucleotide variant.
Coding change: c.1027A>G on transcript NM_000465.4 (MANE Select); coding-DNA position 1027, A replaced by G.
Protein change: p.Thr343Ala; replaces threonine 343 with alanine.
Molecular consequence: missense variant. On other transcripts: non-coding transcript variant (2), intron variant (3).
Genome position (GRCh38, 1-based): chr2:214,780,847, T>C on the plus strand (A>G on the coding strand, the complement: BARD1 is on the minus strand). VCF-style: chr2-214780847-T-C. GRCh37 (hg19) VCF-style: chr2-215645571-T-C.
Other names: c.970A>G, p.Thr324Ala (NM_001282543.2); c.159-28292A>G (NM_001282548.2); c.215+16214A>G (NM_001282545.2); c.364+11450A>G (NM_001282549.2); short protein forms T324A, T343A.
Identifiers: ClinVar variation 1320513 (VCV001320513.7), dbSNP rs2106109159, ClinGen allele CA350454283.

ClinVar aggregate classification (germline): Conflicting classifications of pathogenicity. Review status: criteria provided, conflicting classifications (1 of 4 stars). 3 submissions from 3 submitters: Uncertain significance (2); Likely benign (1). Last evaluated 2024-02-26.

Conditions:
Hereditary cancer-predisposing syndrome. Also called: Hereditary neoplastic syndrome; Neoplastic Syndromes, Hereditary; Tumor predisposition; Hereditary Cancer Syndrome. Identifiers: Orphanet 140162, MedGen C0027672, MeSH D009386, MONDO:0015356.
Familial cancer of breast. Also called: Hereditary breast cancer; hereditary breast carcinoma; BREAST CANCER, FAMILIAL. Identifiers: Orphanet 227535, MedGen C0346153, MONDO:0016419, OMIM 114480. Disease mechanism: loss of function.

Submissions (3):

Ambry Genetics
Classification: Likely benign for Hereditary cancer-predisposing syndrome. Last evaluated: 2024-02-26. Review status: criteria provided, single submitter. Criteria: Ambry Variant Classification Scheme 2023. Collection method: clinical testing. Allele origin: germline.

Labcorp Genetics (formerly Invitae), Labcorp
Classification: Uncertain significance for Familial cancer of breast. Last evaluated: 2021-10-21. Review status: criteria provided, single submitter. Criteria: Invitae Variant Classification Sherloc (09022015). Collection method: clinical testing. Allele origin: germline.
Comment: This sequence change replaces threonine with alanine at codon 343 of the BARD1 protein (p.Thr343Ala). The threonine residue is highly conserved and there is a small physicochemical difference between threonine and alanine. This variant is not present in population databases (ExAC no frequency). This variant has not been reported in the literature in individuals affected with BARD1-related conditions. Algorithms developed to predict the effect of missense changes on protein structure and function output the following: SIFT: "Tolerated"; PolyPhen-2: "Benign"; Align-GVGD: "Class C0". The alanine amino acid residue is found in multiple mammalian species, which suggests that this missense change does not adversely affect protein function. In summary, the available evidence is currently insufficient to determine the role of this variant in disease. Therefore, it has been classified as a Variant of Uncertain Significance.

GeneDx
Classification: Uncertain significance. Last evaluated: 2021-05-05. Review status: criteria provided, single submitter. Criteria: GeneDx Variant Classification Process June 2021. Collection method: clinical testing. Allele origin: germline. Affected: yes.
Comment: Not observed in large population cohorts (Lek 2016); In silico analysis supports that this missense variant does not alter protein structure/function; Has not been previously published as pathogenic or benign to our knowledge